The following is an entry in ClinVar:

NM_001127511.3(APC):c.157G>C (p.Val53Leu)

Gene: APC (APC regulator of Wnt signaling pathway; plus strand). Cytogenetic location: 5q22.2.
Variant type: single nucleotide variant.
Coding change: c.157G>C on transcript NM_001127511.3; coding-DNA position 157, G replaced by C.
Protein change: p.Val53Leu; replaces valine 53 with leucine.
Molecular consequence: missense variant. On other transcripts: 5 prime UTR variant (8), non-coding transcript variant (1), intron variant (5).
Genome position (GRCh38, 1-based): chr5:112,707,874, G>C. VCF-style: chr5-112707874-G-C. GRCh37 (hg19) VCF-style: chr5-112043571-G-C.
Other names: c.-27G>C (NM_001354895.2, NM_001407447.1, NM_001407452.1 and 3 more transcripts); c.157G>C, p.Val53Leu (NM_001354897.2, NM_001354902.2, NM_001407446.1); c.-1062G>C (NM_001407470.1, NM_001407472.1); c.-19+225G>C (NM_001407448.1, NM_001407450.1, NM_001407457.1 and 1 more transcripts); c.-43+225G>C (NM_001407453.1); short protein forms V53L.
Identifiers: ClinVar variation 469787 (VCV000469787.10), dbSNP rs888841371, ClinGen allele CA124925269.
Genomic context (GRCh38, chr5:112,707,874, plus strand): 5'-TGCGTCCGGCAGGAGACGAAGAGCCCGGGCGGCGCTCGTACTTCTGGCCACTGGGCGAGC[G>C]TCTGGCAGGTGAGTGAGGCTGCAGGCATTGACGTCTCCTCCCGGCAAAGCTTCCTCGGCT-3'

ClinVar aggregate classification (germline): Uncertain significance. Review status: criteria provided, multiple submitters, no conflicts (2 of 4 stars). 2 submissions from 2 submitters: Uncertain significance (2). Last evaluated 2026-04-10.

Conditions:
APC-related disorder. Also called: APC-related condition.
Familial adenomatous polyposis 1 (FAP1). Also called: FAMILIAL ADENOMATOUS POLYPOSIS 1, ATTENUATED; POLYPOSIS, ADENOMATOUS INTESTINAL. Identifiers: MedGen C2713442, MONDO:0021056, OMIM 175100. Disease mechanism: loss of function.

gnomAD v4.1: 1 of 1,369,064 alleles (0.000073%); highest among the groups gnomAD compares: Non-Finnish European, 0.000096%; no homozygotes.

Submissions (2):

PreventionGenetics, part of Exact Sciences
Classification: Uncertain significance for APC-related condition. Last evaluated: 2026-04-10. Review status: criteria provided, single submitter. Criteria: ACMG Guidelines, 2015. Collection method: clinical testing. Allele origin: germline.
Comment: The APC c.157G>C variant is predicted to result in the amino acid substitution p.Val53Leu. To our knowledge, this variant has not been reported in the literature or in a large population database (gnomAD), indicating this variant is rare. This variant is interpreted as uncertain significance in ClinVar (Variation ID: 469787). At this time, the clinical significance of this variant is uncertain due to the absence of conclusive functional and genetic evidence.

Labcorp Genetics (formerly Invitae), Labcorp
Classification: Uncertain significance for Familial adenomatous polyposis 1. Last evaluated: 2025-11-02. Review status: criteria provided, single submitter. Criteria: Invitae Variant Classification Sherloc (09022015). Collection method: clinical testing. Allele origin: germline.
Comment: This variant occurs in a non-coding region of the APC gene. It does not change the encoded amino acid sequence of the APC protein. This variant is not present in population databases (gnomAD no frequency). This variant has not been reported in the literature in individuals affected with APC-related conditions. ClinVar contains an entry for this variant (Variation ID: 469787). Experimental studies and prediction algorithms are not available or were not evaluated, and the functional significance of this variant is currently unknown. In summary, the available evidence is currently insufficient to determine the role of this variant in disease. Therefore, it has been classified as a Variant of Uncertain Significance.